The following is an entry in ClinVar:

ClinVar aggregate classification (germline): Uncertain significance (1 of 4 stars; one submission).

Conditions:
Peroxisome biogenesis disorder. Identifiers: Orphanet 79189, MedGen C1832200, MONDO:0019234. Disease mechanism: loss of function.

Allele frequency attached by ClinVar (database versions not stated): gnomAD 0.00001; gnomAD exomes 0.00001; TOPMed 0.00002.
gnomAD v4.1: 14 of 1,614,026 alleles (0.00087%); highest among the groups gnomAD compares: Non-Finnish European, 0.00093%; no homozygotes.

Submission:

Labcorp Genetics (formerly Invitae), Labcorp
Classification: Uncertain significance for Peroxisome biogenesis disorder. Last evaluated: 2025-01-06. Review status: criteria provided, single submitter. Criteria: Invitae Variant Classification Sherloc (09022015). Collection method: clinical testing. Allele origin: germline.
Comment: This sequence change falls in intron 4 of the PEX6 gene. It does not directly change the encoded amino acid sequence of the PEX6 protein. It affects a nucleotide within the consensus splice site. This variant is present in population databases (no rsID available, gnomAD 0.004%). This variant has not been reported in the literature in individuals affected with PEX6-related conditions. ClinVar contains an entry for this variant (Variation ID: 1420639). Variants that disrupt the consensus splice site are a relatively common cause of aberrant splicing (PMID: 17576681, 9536098). Algorithms developed to predict the effect of sequence changes on RNA splicing suggest that this variant is not likely to affect RNA splicing. In summary, the available evidence is currently insufficient to determine the role of this variant in disease. Therefore, it has been classified as a Variant of Uncertain Significance.

Literature cited by the submitters: PubMed 17576681; PubMed 9536098.

NM_000287.4(PEX6):c.1233+3G>A

Gene: PEX6 (peroxisomal biogenesis factor 6; minus strand). Cytogenetic location: 6p21.1.
Variant type: single nucleotide variant.
Coding change: c.1233+3G>A on transcript NM_000287.4 (MANE Select); 3 bases into the intron after coding-DNA position 1233, G replaced by A.
Molecular consequence: intron variant.
Genome position (GRCh38, 1-based): chr6:42,969,882, C>T on the plus strand (G>A on the coding strand, the complement: PEX6 is on the minus strand). VCF-style: chr6-42969882-C-T. GRCh37 (hg19) VCF-style: chr6-42937620-C-T.
Other names: c.969+3G>A (NM_001316313.2).
Identifiers: ClinVar variation 1420639 (VCV001420639.4), dbSNP rs955591362, ClinGen allele CA138227786.